The following is an entry in ClinVar:

ClinVar aggregate classification (germline): Uncertain significance (1 of 4 stars; one submission).

Conditions:
Joubert syndrome. Also called: CEREBELLOPARENCHYMAL DISORDER IV; JOUBERT-BOLTSHAUSER SYNDROME; Familial aplasia of the vermis. Identifiers: Orphanet 475, MedGen C5979921, MONDO:0018772.
Nephronophthisis. Also called: Juvenile Nephronophthisis. Identifiers: Orphanet 655, MedGen C0687120, MONDO:0019005, HP:0000090.
Meckel-Gruber syndrome. Also called: DYSENCEPHALIA SPLANCHNOCYSTICA; GRUBER SYNDROME; Dysencephalia splachnocystica. Identifiers: Orphanet 564, MedGen C0265215, MONDO:0018921.

Submission:

Labcorp Genetics (formerly Invitae), Labcorp
Classification: Uncertain significance for Joubert syndrome; Meckel-Gruber syndrome; Nephronophthisis. Last evaluated: 2024-10-24. Review status: criteria provided, single submitter. Criteria: Invitae Variant Classification Sherloc (09022015). Collection method: clinical testing. Allele origin: germline.
Comment: This sequence change replaces glutamine, which is neutral and polar, with lysine, which is basic and polar, at codon 789 of the CEP290 protein (p.Gln789Lys). This variant is not present in population databases (gnomAD no frequency). This variant has not been reported in the literature in individuals affected with CEP290-related conditions. ClinVar contains an entry for this variant (Variation ID: 1354068). An algorithm developed to predict the effect of missense changes on protein structure and function (PolyPhen-2) suggests that this variant is likely to be tolerated. In summary, the available evidence is currently insufficient to determine the role of this variant in disease. Therefore, it has been classified as a Variant of Uncertain Significance.

NM_025114.4(CEP290):c.2365C>A (p.Gln789Lys)

Gene: CEP290 (centrosomal protein 290; minus strand). Cytogenetic location: 12q21.32.
Variant type: single nucleotide variant.
Coding change: c.2365C>A on transcript NM_025114.4 (MANE Select); coding-DNA position 2365, C replaced by A.
Protein change: p.Gln789Lys; replaces glutamine 789 with lysine.
Molecular consequence: missense variant.
Genome position (GRCh38, 1-based): chr12:88,111,204, G>T on the plus strand (C>A on the coding strand, the complement: CEP290 is on the minus strand). VCF-style: chr12-88111204-G-T. GRCh37 (hg19) VCF-style: chr12-88504981-G-T.
Other names: short protein forms Q789K.
Identifiers: ClinVar variation 1354068 (VCV001354068.8), dbSNP rs2137707386, ClinGen allele CA385974311.